The following is an entry in ClinVar:

NM_000243.3(MEFV):c.487G>C (p.Glu163Gln)

Gene: MEFV (MEFV innate immunity regulator, pyrin; minus strand). Cytogenetic location: 16p13.3.
Variant type: single nucleotide variant.
Coding change: c.487G>C on transcript NM_000243.3 (MANE Select); coding-DNA position 487, G replaced by C.
Protein change: p.Glu163Gln; replaces glutamic acid 163 with glutamine.
Molecular consequence: missense variant. On other transcripts: intron variant (1).
Genome position (GRCh38, 1-based): chr16:3,254,581, C>G on the plus strand (G>C on the coding strand, the complement: MEFV is on the minus strand). VCF-style: chr16-3254581-C-G. GRCh37 (hg19) VCF-style: chr16-3304581-C-G.
Other names: c.277+1730G>C (NM_001198536.2); short protein forms E163Q.
Identifiers: ClinVar variation 234356 (VCV000234356.5), dbSNP rs759918824, ClinGen allele CA7860419.

ClinVar aggregate classification (germline): Uncertain significance. Review status: criteria provided, single submitter (1 of 4 stars). 3 submissions from 3 submitters: Uncertain significance (1). 2 of the submissions do not count toward it. Last evaluated 2016-01-21.

Conditions:
Familial Mediterranean fever (FMF). Also called: POLYSEROSITIS, FAMILIAL PAROXYSMAL; POLYSEROSITIS, RECURRENT; Periodic peritonitis; Benign paroxysmal peritonitis. Identifiers: Orphanet 342, MedGen C0031069, MONDO:0018088, OMIM 249100. Disease mechanism: gain of function.
MEFV-related disorder. Also called: MEFV-related disorders; MEFV-related condition.

Allele frequency attached by ClinVar (database versions not stated): gnomAD exomes 0.00002; gnomAD 0.00003 and 0.00004; TOPMed 0.00003; ExAC below 0.00001.
gnomAD v4.1: 26 of 1,588,232 alleles (0.0016%); highest among the groups gnomAD compares: Non-Finnish European, 0.0021%; no homozygotes.

Submissions (3):

GeneDx
Classification: Uncertain significance. Last evaluated: 2016-01-21. Review status: criteria provided, single submitter. Criteria: GeneDx Variant Classification (06012015). Collection method: clinical testing. Allele origin: germline. Affected: yes.
Comment: The E163Q variant has not been published as a pathogenic variant, nor has it been reported as a benign variant to our knowledge. The variant was not observed in approximately 6,400 individuals of European and African American ancestry in the NHLBI Exome Sequencing Project, indicating it is not a common benign variant in these populations. E163Q is a semi-conservative amino acid substitution, which may impact secondary protein structure as these residues differ in some properties. This substitution occurs at a position where amino acids with similar properties to Glutamic acid are tolerated across species, and in silico analysis is inconsistent in its predictions as to whether or not the variant is damaging to the protein structure/function. Missense variants in the same codon (E163A) and in a nearby residue (E167D) have been reported in the Human Gene Mutation Database in association with FMF (Stenson et al., 2014), supporting the functional importance of this region of the protein. Therefore, based on the currently available information, it is unclear whether this variant is a pathogenic variant or a rare benign variant.

PreventionGenetics, part of Exact Sciences
Classification: Uncertain significance for MEFV-related condition. Last evaluated: 2024-01-30. Review status: no assertion criteria provided. Collection method: clinical testing. Allele origin: germline. Not counted in ClinVar's aggregate classification.
Comment: The MEFV c.487G>C variant is predicted to result in the amino acid substitution p.Glu163Gln. To our knowledge, this variant has not been reported in the literature. This variant is reported in 0.0048% of alleles in individuals of African descent in gnomAD. At this time, the clinical significance of this variant is uncertain due to the absence of conclusive functional and genetic evidence.

Natera, Inc.
Classification: Uncertain significance for Familial Mediterranean fever. Last evaluated: 2021-07-21. Review status: no assertion criteria provided. Collection method: clinical testing. Allele origin: germline. Not counted in ClinVar's aggregate classification.